The following is an entry in ClinVar:

ClinVar aggregate classification (germline): Uncertain significance (1 of 4 stars; one submission).

Allele frequency attached by ClinVar (database versions not stated): ExAC 0.00002; gnomAD 0.00002; TOPMed 0.00002; gnomAD exomes 0.00003.
gnomAD v4.1: 26 of 1,612,946 alleles (0.0016%); highest among the groups gnomAD compares: Non-Finnish European, 0.0022%; no homozygotes.

Submission:

Labcorp Genetics (formerly Invitae), Labcorp
Classification: Uncertain significance. Last evaluated: 2024-10-14. Review status: criteria provided, single submitter. Criteria: Invitae Variant Classification Sherloc (09022015). Collection method: clinical testing. Allele origin: germline.
Comment: This sequence change replaces asparagine, which is neutral and polar, with serine, which is neutral and polar, at codon 1513 of the C5 protein (p.Asn1513Ser). This variant is present in population databases (rs758205218, gnomAD 0.007%). This variant has not been reported in the literature in individuals affected with C5-related conditions. ClinVar contains an entry for this variant (Variation ID: 1444152). Invitae Evidence Modeling of protein sequence and biophysical properties (such as structural, functional, and spatial information, amino acid conservation, physicochemical variation, residue mobility, and thermodynamic stability) indicates that this missense variant is not expected to disrupt C5 protein function with a negative predictive value of 80%. In summary, the available evidence is currently insufficient to determine the role of this variant in disease. Therefore, it has been classified as a Variant of Uncertain Significance.

NM_001735.3(C5):c.4538A>G (p.Asn1513Ser)

Gene: C5 (complement C5; minus strand). Cytogenetic location: 9q33.2.
Variant type: single nucleotide variant.
Coding change: c.4538A>G on transcript NM_001735.3 (MANE Select); coding-DNA position 4538, A replaced by G.
Protein change: p.Asn1513Ser; replaces asparagine 1513 with serine.
Molecular consequence: missense variant.
Genome position (GRCh38, 1-based): chr9:120,961,532, T>C on the plus strand (A>G on the coding strand, the complement: C5 is on the minus strand). VCF-style: chr9-120961532-T-C. GRCh37 (hg19) VCF-style: chr9-123723810-T-C.
Other names: c.4556A>G, p.Asn1519Ser (NM_001317163.2); short protein forms N1519S, N1513S.
Identifiers: ClinVar variation 1444152 (VCV001444152.6), dbSNP rs758205218, ClinGen allele CA5217146.